The following is an entry in ClinVar:

ClinVar aggregate classification (germline): Uncertain significance (1 of 4 stars; one submission).

Conditions:
Familial thoracic aortic aneurysm and aortic dissection (TAAD). Also called: Thoracic aortic aneurysms and dissections. Identifiers: Orphanet 91387, MedGen C4707243, MONDO:0019625.

Submission:

Color Diagnostics, LLC DBA Color Health
Classification: Uncertain significance for Familial thoracic aortic aneurysm and aortic dissection. Last evaluated: 2024-03-06. Review status: criteria provided, single submitter. Criteria: ACMG Guidelines, 2015. Collection method: clinical testing. Allele origin: germline.
Comment: This missense variant replaces glutamic acid with lysine at codon 171 of the SMAD3 protein. Computational prediction is inconclusive regarding the impact of this variant on protein structure and function (internally defined REVEL score threshold 0.5 < inconclusive < 0.7, PMID: 27666373). To our knowledge, functional studies have not been reported for this variant. This variant has not been reported in individuals affected with SMAD3-related disorders in the literature. This variant has been identified in 2/282752 chromosomes in the general population by the Genome Aggregation Database (gnomAD). The available evidence is insufficient to determine the role of this variant in disease conclusively. Therefore, this variant is classified as a Variant of Uncertain Significance.

NM_005902.4(SMAD3):c.511G>A (p.Glu171Lys)

Gene: SMAD3 (SMAD family member 3; plus strand). Cytogenetic location: 15q22.33.
Variant type: single nucleotide variant.
Coding change: c.511G>A on transcript NM_005902.4 (MANE Select); coding-DNA position 511, G replaced by A.
Protein change: p.Glu171Lys; replaces glutamic acid 171 with lysine.
Molecular consequence: missense variant. On other transcripts: intron variant (2).
Genome position (GRCh38, 1-based): chr15:67,165,363, G>A. VCF-style: chr15-67165363-G-A. GRCh37 (hg19) VCF-style: chr15-67457701-G-A.
Other names: c.196G>A, p.Glu66Lys (NM_001145102.2, NM_001407016.1); c.379G>A, p.Glu127Lys (NM_001145103.2); c.511G>A, p.Glu171Lys (NM_001407011.1, NM_001407013.1); c.364G>A, p.Glu122Lys (NM_001407014.1); c.400+275G>A (NM_001407012.1); c.85+275G>A (NM_001407015.1); short protein forms E122K, E127K, E171K, E66K.
Identifiers: ClinVar variation 3894413 (VCV003894413.1).